The following is an entry in ClinVar:

ClinVar aggregate classification (germline): Uncertain significance (1 of 4 stars; one submission).

Conditions:
Emery-Dreifuss muscular dystrophy 5, autosomal dominant (EDMD5). Also called: EMERY-DREIFUSS MUSCULAR DYSTROPHY 5. Identifiers: Orphanet 261, MedGen C2751805, MONDO:0013072, OMIM 612999.

Allele frequency attached by ClinVar (database versions not stated): ExAC 0.00001; gnomAD exomes 0.00001; gnomAD 0.00004.

Submission:

Labcorp Genetics (formerly Invitae), Labcorp
Classification: Uncertain significance for Emery-Dreifuss muscular dystrophy 5, autosomal dominant. Last evaluated: 2022-03-22. Review status: criteria provided, single submitter. Criteria: Invitae Variant Classification Sherloc (09022015). Collection method: clinical testing. Allele origin: germline.
Comment: In summary, the available evidence is currently insufficient to determine the role of this variant in disease. Therefore, it has been classified as a Variant of Uncertain Significance. Algorithms developed to predict the effect of missense changes on protein structure and function output the following: SIFT: "Tolerated"; PolyPhen-2: "Benign"; Align-GVGD: "Class C0". The leucine amino acid residue is found in multiple mammalian species, which suggests that this missense change does not adversely affect protein function. This variant has not been reported in the literature in individuals affected with SYNE2-related conditions. This variant is present in population databases (rs763314715, gnomAD 0.006%). This sequence change replaces serine, which is neutral and polar, with leucine, which is neutral and non-polar, at codon 1048 of the SYNE2 protein (p.Ser1048Leu).

NM_182914.3(SYNE2):c.3143C>T (p.Ser1048Leu)

Gene: SYNE2 (spectrin repeat containing nuclear envelope protein 2; plus strand). Cytogenetic location: 14q23.2.
Variant type: single nucleotide variant.
Coding change: c.3143C>T on transcript NM_182914.3 (MANE Select); coding-DNA position 3143, C replaced by T.
Protein change: p.Ser1048Leu; replaces serine 1048 with leucine.
Molecular consequence: missense variant.
Genome position (GRCh38, 1-based): chr14:63,997,149, C>T. VCF-style: chr14-63997149-C-T. GRCh37 (hg19) VCF-style: chr14-64463867-C-T.
Other names: c.3143C>T, p.Ser1048Leu (NM_015180.6); short protein forms S1048L.
Identifiers: ClinVar variation 1382102 (VCV001382102.7), dbSNP rs763314715, ClinGen allele CA7219872.